The following is an entry in ClinVar:

NM_001283009.2(RTEL1):c.3169C>T (p.Gln1057Ter)

Genes: RTEL1 (regulator of telomere elongation helicase 1; plus strand), RTEL1-TNFRSF6B (RTEL1-TNFRSF6B readthrough (NMD candidate); plus strand). Cytogenetic location: 20q13.33.
Variant type: single nucleotide variant.
Coding change: c.3169C>T on transcript NM_001283009.2 (MANE Select); coding-DNA position 3169, C replaced by T.
Protein change: p.Gln1057Ter; replaces glutamine 1057 with a stop codon.
Molecular consequence: nonsense. On other transcripts: non-coding transcript variant (1).
Genome position (GRCh38, 1-based): chr20:63,694,800, C>T. VCF-style: chr20-63694800-C-T. GRCh37 (hg19) VCF-style: chr20-62326153-C-T.
Other names: c.2500C>T, p.Gln834Ter (NM_001283010.1); c.3169C>T, p.Gln1057Ter (NM_016434.4); c.3241C>T, p.Gln1081Ter (NM_032957.5); short protein forms Q1081*, Q834*, Q1057*.
Identifiers: ClinVar variation 957573 (VCV000957573.9), dbSNP rs2090929102, ClinGen allele CA409684892.

ClinVar aggregate classification (germline): Pathogenic/Likely pathogenic. Review status: criteria provided, multiple submitters, no conflicts (2 of 4 stars). 3 submissions from 3 submitters: Pathogenic (1); Likely pathogenic (2). Last evaluated 2023-07-24.

Conditions:
Dyskeratosis congenita, autosomal recessive 5 (DKCB5). Identifiers: MedGen C3554656, MONDO:0014076, OMIM 615190.
Pulmonary fibrosis and/or bone marrow failure, Telomere-related, 3. Also called: PULMONARY FIBROSIS AND/OR BONE MARROW FAILURE SYNDROME, TELOMERE-RELATED, 3. Identifiers: Orphanet 2032, MedGen C4225346, MONDO:0014613, OMIM 616373.

Submissions (3):

Baylor Genetics
Classification: Likely pathogenic for Dyskeratosis congenita, autosomal recessive 5. Last evaluated: 2023-07-24. Review status: criteria provided, single submitter. Criteria: ACMG Guidelines, 2015. Collection method: clinical testing. Allele origin: unknown.

GeneDx
Classification: Likely pathogenic. Last evaluated: 2023-03-12. Review status: criteria provided, single submitter. Criteria: GeneDx Variant Classification Process June 2021. Collection method: clinical testing. Allele origin: germline. Affected: yes.
Comment: Nonsense variant predicted to result in protein truncation or nonsense mediated decay in a gene for which loss of function is a known mechanism of disease; Not observed at significant frequency in large population cohorts (gnomAD); Has not been previously published as pathogenic or benign to our knowledge; This variant is associated with the following publications: (PMID: 25607374, 23453664, 23959892)

Labcorp Genetics (formerly Invitae), Labcorp
Classification: Pathogenic for Dyskeratosis congenita, autosomal recessive 5; Pulmonary fibrosis and/or bone marrow failure, Telomere-related, 3. Last evaluated: 2019-10-26. Review status: criteria provided, single submitter. Criteria: Invitae Variant Classification Sherloc (09022015). Collection method: clinical testing. Allele origin: germline.
Comment: For these reasons, this variant has been classified as Pathogenic. Loss-of-function variants in RTEL1 are known to be pathogenic (PMID: 23453664, 23959892, 25607374). This variant has not been reported in the literature in individuals with RTEL1-related conditions. This variant is not present in population databases (ExAC no frequency). This sequence change creates a premature translational stop signal (p.Gln1057*) in the RTEL1 gene. It is expected to result in an absent or disrupted protein product.

Literature cited by the submitters: PubMed 23453664 (cited by Labcorp Genetics (formerly Invitae), Labcorp); PubMed 23959892 (cited by Labcorp Genetics (formerly Invitae), Labcorp); PubMed 25607374 (cited by Labcorp Genetics (formerly Invitae), Labcorp).